The following is an entry in ClinVar:

NM_000264.5(PTCH1):c.347T>A (p.Leu116Ter)

Gene: PTCH1 (patched 1; minus strand). Cytogenetic location: 9q22.32.
Variant type: single nucleotide variant.
Coding change: c.347T>A on transcript NM_000264.5 (MANE Select); coding-DNA position 347, T replaced by A.
Protein change: p.Leu116Ter; replaces leucine 116 with a stop codon.
Molecular consequence: nonsense. On other transcripts: 5 prime UTR variant (4), non-coding transcript variant (1).
Genome position (GRCh38, 1-based): chr9:95,506,454, A>T on the plus strand (T>A on the coding strand, the complement: PTCH1 is on the minus strand). VCF-style: chr9-95506454-A-T. GRCh37 (hg19) VCF-style: chr9-98268736-A-T.
Other names: c.149T>A, p.Leu50Ter (NM_001083602.3, NM_001354919.2); c.344T>A, p.Leu115Ter (NM_001083603.3); c.-107T>A (NM_001083604.3, NM_001083605.3, NM_001083606.3 and 1 more transcripts); c.347T>A, p.Leu116Ter (NM_001354918.2); short protein forms L50*, L115*, L116*.
Identifiers: ClinVar variation 841309 (VCV000841309.8), dbSNP rs1843652409, ClinGen allele CA374120233.

ClinVar aggregate classification (germline): Pathogenic (1 of 4 stars; one submission).

Conditions:
Gorlin syndrome. Also called: Nevoid Basal Cell Carcinoma Syndrome; Basal cell nevus syndrome. Identifiers: Orphanet 377, MedGen C0004779, MONDO:0007187.

Submission:

Labcorp Genetics (formerly Invitae), Labcorp
Classification: Pathogenic for Gorlin syndrome. Last evaluated: 2025-09-10. Review status: criteria provided, single submitter. Criteria: Invitae Variant Classification Sherloc (09022015). Collection method: clinical testing. Allele origin: germline.
Comment: This sequence change creates a premature translational stop signal (p.Leu116*) in the PTCH1 gene. It is expected to result in an absent or disrupted protein product. Loss-of-function variants in PTCH1 are known to be pathogenic (PMID: 16301862, 16419085). This variant is not present in population databases (gnomAD no frequency). This variant has not been reported in the literature in individuals affected with PTCH1-related conditions. ClinVar contains an entry for this variant (Variation ID: 841309). For these reasons, this variant has been classified as Pathogenic.

Literature cited by the submitters: PubMed 16301862; PubMed 16419085.